The following is an entry in ClinVar:

ClinVar aggregate classification (germline): Uncertain significance. Review status: criteria provided, multiple submitters, no conflicts (2 of 4 stars). 2 submissions from 2 submitters: Uncertain significance (2). Last evaluated 2025-12-16.

Conditions:
Dyskeratosis congenita, autosomal recessive 5 (DKCB5). Identifiers: MedGen C3554656, MONDO:0014076, OMIM 615190.
Pulmonary fibrosis and/or bone marrow failure, Telomere-related, 3. Also called: PULMONARY FIBROSIS AND/OR BONE MARROW FAILURE SYNDROME, TELOMERE-RELATED, 3. Identifiers: Orphanet 2032, MedGen C4225346, MONDO:0014613, OMIM 616373.
Inborn genetic diseases. Identifiers: MedGen C0950123, MeSH D030342.

Allele frequency attached by ClinVar (database versions not stated): gnomAD exomes 0.00014 and 0.00004; ExAC 0.00022; gnomAD 0.00001 and 0.00010; TOPMed 0.00001; 1000 Genomes Project 30x 0.00109; 1000 Genomes Project 0.00140.
gnomAD v4.1: 77 of 1,612,738 alleles (0.0048%); highest among the groups gnomAD compares: South Asian, 0.08%; 1 homozygote.

Submissions (2):

Ambry Genetics
Classification: Uncertain significance for Inborn genetic diseases. Last evaluated: 2025-12-16. Review status: criteria provided, single submitter. Criteria: Ambry Variant Classification Scheme 2023. Collection method: clinical testing. Allele origin: germline.

Labcorp Genetics (formerly Invitae), Labcorp
Classification: Uncertain significance for Dyskeratosis congenita, autosomal recessive 5; Pulmonary fibrosis and/or bone marrow failure, Telomere-related, 3. Last evaluated: 2021-09-02. Review status: criteria provided, single submitter. Criteria: Invitae Variant Classification Sherloc (09022015). Collection method: clinical testing. Allele origin: germline.
Comment: This sequence change replaces proline with leucine at codon 146 of the RTEL1 protein (p.Pro146Leu). The proline residue is weakly conserved and there is a moderate physicochemical difference between proline and leucine. This variant is present in population databases (rs562173928, ExAC 0.2%). This variant has not been reported in the literature in individuals affected with RTEL1-related conditions. Algorithms developed to predict the effect of missense changes on protein structure and function are either unavailable or do not agree on the potential impact of this missense change (SIFT: "Deleterious"; PolyPhen-2: "Benign"; Align-GVGD: "Class C0"). In summary, the available evidence is currently insufficient to determine the role of this variant in disease. Therefore, it has been classified as a Variant of Uncertain Significance.

NM_001283009.2(RTEL1):c.396-31C>T

Genes: RTEL1 (regulator of telomere elongation helicase 1; plus strand), RTEL1-TNFRSF6B (RTEL1-TNFRSF6B readthrough (NMD candidate); plus strand). Cytogenetic location: 20q13.33.
Variant type: single nucleotide variant.
Coding change: c.396-31C>T on transcript NM_001283009.2 (MANE Select); 31 bases into the intron before coding-DNA position 396, C replaced by T.
Molecular consequence: intron variant. On other transcripts: missense variant (1).
Genome position (GRCh38, 1-based): chr20:63,662,515, C>T. VCF-style: chr20-63662515-C-T. GRCh37 (hg19) VCF-style: chr20-62293868-C-T.
Other names: c.437C>T, p.Pro146Leu (NM_032957.5); c.-274-31C>T (NM_001283010.1); c.396-31C>T (NM_016434.4); short protein forms P146L.
Identifiers: ClinVar variation 646608 (VCV000646608.5), dbSNP rs562173928, ClinGen allele CA9964241.